The following is an entry in ClinVar:

NM_002907.4(RECQL):c.1494G>T (p.Lys498Asn)

Gene: RECQL (RecQ like helicase; minus strand). Cytogenetic location: 12p12.1.
Variant type: single nucleotide variant.
Coding change: c.1494G>T on transcript NM_002907.4 (MANE Select); coding-DNA position 1494, G replaced by T.
Protein change: p.Lys498Asn; replaces lysine 498 with asparagine.
Molecular consequence: missense variant.
Genome position (GRCh38, 1-based): chr12:21,471,601, C>A on the plus strand (G>T on the coding strand, the complement: RECQL is on the minus strand). VCF-style: chr12-21471601-C-A. GRCh37 (hg19) VCF-style: chr12-21624535-C-A.
Other names: c.1494G>T, p.Lys498Asn (NM_032941.3); short protein forms K498N.
Identifiers: ClinVar variation 1773856 (VCV001773856.2), dbSNP rs2540322256, ClinGen allele CA384116295.

ClinVar aggregate classification (germline): Uncertain significance (1 of 4 stars; one submission).

Submission:

Ambry Genetics
Classification: Uncertain significance. Last evaluated: 2021-12-10. Review status: criteria provided, single submitter. Criteria: Ambry Variant Classification Scheme 2023. Collection method: clinical testing. Allele origin: germline.
Comment: The p.K498N variant (also known as c.1494G>T), located in coding exon 12 of the RECQL gene, results from a G to T substitution at nucleotide position 1494. The lysine at codon 498 is replaced by asparagine, an amino acid with similar properties. This amino acid position is conserved. In addition, this alteration is predicted to be tolerated by in silico analysis. Since supporting evidence is limited at this time, the clinical significance of this alteration remains unclear.